The following is an entry in ClinVar:

ClinVar aggregate classification (germline): Uncertain significance (1 of 4 stars; one submission).

Conditions:
Nemaline myopathy 6 (NEM6). Also called: Nemaline myopathy 6, autosomal dominant. Identifiers: Orphanet 171439, MedGen C1836472, MONDO:0012237, OMIM 609273.

Submission:

Labcorp Genetics (formerly Invitae), Labcorp
Classification: Uncertain significance for Nemaline myopathy 6. Last evaluated: 2024-04-14. Review status: criteria provided, single submitter. Criteria: Invitae Variant Classification Sherloc (09022015). Collection method: clinical testing. Allele origin: germline.
Comment: This sequence change creates a premature translational stop signal (p.Glu226Argfs*25) in the KBTBD13 gene. While this is not anticipated to result in nonsense mediated decay, it is expected to disrupt the last 233 amino acid(s) of the KBTBD13 protein. This variant is not present in population databases (gnomAD no frequency). This variant has not been reported in the literature in individuals affected with KBTBD13-related conditions. Experimental studies and prediction algorithms are not available or were not evaluated, and the functional significance of this variant is currently unknown. In summary, the available evidence is currently insufficient to determine the role of this variant in disease. Therefore, it has been classified as a Variant of Uncertain Significance.

NM_001101362.3(KBTBD13):c.675dup (p.Glu226fs)

Gene: KBTBD13 (kelch repeat and BTB domain containing 13; plus strand). Cytogenetic location: 15q22.31.
Variant type: Duplication.
Coding change: c.675dup on transcript NM_001101362.3 (MANE Select); coding-DNA position 675, one base duplicated (A; older notation c.675dupA).
Protein change: p.Glu226fs; shifts the reading frame from glutamic acid 226.
Molecular consequence: frameshift variant.
Genome position (GRCh38, 1-based): chr15:65,077,490, A duplicated. VCF-style (leftmost placement, unchanged base first): chr15-65077489-T-TA. GRCh37 (hg19) VCF-style: chr15-65369827-T-TA.
Other names: short protein forms E226fs.
Identifiers: ClinVar variation 3636711 (VCV003636711.2).
Genomic context (GRCh38, chr15:65,077,489, plus strand): 5'-CCACGCTGGGCAACAAGCTTTACATCGTGGGGGGCGTGCGCGGCGCCAGCAAGGAGGTGG[T>TA]AGAGCTGGGCTTCTGCTACGACCCCGACGGCGGCACGTGGCACGAGTTCCCCAGCCCGCA-3'